The following is an entry in ClinVar:

ClinVar aggregate classification (germline): Uncertain significance (1 of 4 stars; one submission).

Conditions:
PLXNA2-related disorder. Also called: PLXNA2-related condition.

gnomAD v4.1: 1 of 1,614,016 alleles (0.000062%); highest among the groups gnomAD compares: Non-Finnish European, 0.000085%; no homozygotes.

Submission:

PreventionGenetics, part of Exact Sciences
Classification: Uncertain significance for PLXNA2-related condition. Last evaluated: 2025-10-14. Review status: criteria provided, single submitter. Criteria: ACMG Guidelines, 2015. Collection method: clinical testing. Allele origin: germline.
Comment: The PLXNA2 c.3783G>T variant is predicted to result in the amino acid substitution p.Lys1261Asn. To our knowledge, this variant has not been reported in the literature or in a large population database (gnomAD), indicating this variant is rare. At this time, the clinical significance of this variant is uncertain due to the absence of conclusive functional and genetic evidence.

NM_025179.4(PLXNA2):c.3783G>T (p.Lys1261Asn)

Gene: PLXNA2 (plexin A2; minus strand). Cytogenetic location: 1q32.2.
Variant type: single nucleotide variant.
Coding change: c.3783G>T on transcript NM_025179.4 (MANE Select); coding-DNA position 3783, G replaced by T.
Protein change: p.Lys1261Asn; replaces lysine 1261 with asparagine.
Molecular consequence: missense variant.
Genome position (GRCh38, 1-based): chr1:208,044,599, C>A on the plus strand (G>T on the coding strand, the complement: PLXNA2 is on the minus strand). VCF-style: chr1-208044599-C-A. GRCh37 (hg19) VCF-style: chr1-208217944-C-A.
Other names: short protein forms K1261N.
Identifiers: ClinVar variation 4996089 (VCV004996089.1).